The following is an entry in ClinVar:

NM_170665.4(ATP2A2):c.2860-3C>G

Gene: ATP2A2 (ATPase sarcoplasmic/endoplasmic reticulum Ca2+ transporting 2; plus strand). Cytogenetic location: 12q24.11.
Variant type: single nucleotide variant.
Coding change: c.2860-3C>G on transcript NM_170665.4 (MANE Select); 3 bases into the intron before coding-DNA position 2860, C replaced by G.
Molecular consequence: intron variant.
Genome position (GRCh38, 1-based): chr12:110,346,198, C>G. VCF-style: chr12-110346198-C-G. GRCh37 (hg19) VCF-style: chr12-110784003-C-G.
Other names: c.2485-3C>G (NM_001413015.1); c.2860-3C>G (NM_001413014.1, NM_001681.4); c.2755-3C>G (NM_001413013.1).
Identifiers: ClinVar variation 3657171 (VCV003657171.2).

ClinVar aggregate classification (germline): Uncertain significance (1 of 4 stars; one submission).

Submission:

Labcorp Genetics (formerly Invitae), Labcorp
Classification: Uncertain significance. Last evaluated: 2024-06-26. Review status: criteria provided, single submitter. Criteria: Invitae Variant Classification Sherloc (09022015). Collection method: clinical testing. Allele origin: germline.
Comment: This sequence change falls in intron 19 of the ATP2A2 gene. It does not directly change the encoded amino acid sequence of the ATP2A2 protein. It affects a nucleotide within the consensus splice site. This variant is not present in population databases (gnomAD no frequency). This variant has not been reported in the literature in individuals affected with ATP2A2-related conditions. Variants that disrupt the consensus splice site are a relatively common cause of aberrant splicing (PMID: 17576681, 9536098). Algorithms developed to predict the effect of sequence changes on RNA splicing suggest that this variant may disrupt the consensus splice site. In summary, the available evidence is currently insufficient to determine the role of this variant in disease. Therefore, it has been classified as a Variant of Uncertain Significance.

Literature cited by the submitters: PubMed 17576681; PubMed 9536098.